The following is an entry in ClinVar:

ClinVar aggregate classification (germline): Pathogenic. Review status: criteria provided, multiple submitters, no conflicts (2 of 4 stars). 15 submissions from 15 submitters: Pathogenic (11). 4 of the submissions do not count toward it. Last evaluated 2025-12-17.

Conditions:
Methylmalonic aciduria due to complete methylmalonyl-CoA mutase deficiency.
MUT-related disorders.
Methylmalonic acidemia (MMA). Also called: Isolated Methylmalonic Acidemia. Identifiers: MedGen C0268583, MeSH C537358, MONDO:0002012, HP:0002912.
Methylmalonic aciduria due to methylmalonyl-CoA mutase deficiency (MAMM). Also called: Methylmalonic aciduria, mut type. Identifiers: Orphanet 27, MedGen C1855114, MONDO:0009612, OMIM 251000.
METHYLMALONIC ACIDURIA, mut(0) TYPE. Identifiers: MedGen C1855115, OMIM 251000.

Allele frequency attached by ClinVar (database versions not stated): gnomAD 0.00003; TOPMed 0.00003; gnomAD exomes 0.00007 and 0.00005; ExAC 0.00006.
gnomAD v4.1: 69 of 1,613,364 alleles (0.0043%); highest among the groups gnomAD compares: Non-Finnish European, 0.0055%; no homozygotes.

Submissions (15):

Labcorp Genetics (formerly Invitae), Labcorp
Classification: Pathogenic. Last evaluated: 2025-12-17. Review status: criteria provided, single submitter. Criteria: Invitae Variant Classification Sherloc (09022015). Collection method: clinical testing. Allele origin: germline.
Comment: This sequence change replaces asparagine, which is neutral and polar, with tyrosine, which is neutral and polar, at codon 219 of the MUT protein (p.Asn219Tyr). This variant is present in population databases (rs121918256, gnomAD 0.01%). This missense change has been observed in individual(s) with methylmalonic acidemia (PMID: 11528502, 17957493, 24059531). ClinVar contains an entry for this variant (Variation ID: 1886). Invitae Evidence Modeling of protein sequence and biophysical properties (such as structural, functional, and spatial information, amino acid conservation, physicochemical variation, residue mobility, and thermodynamic stability) indicates that this missense variant is expected to disrupt MUT protein function with a positive predictive value of 95%. Experimental studies have shown that this missense change affects MUT function (PMID: 11528502). For these reasons, this variant has been classified as Pathogenic.

Natera, Inc.
Classification: Pathogenic for Methylmalonic aciduria due to complete methylmalonyl-CoA mutase deficiency. Last evaluated: 2025-11-05. Review status: criteria provided, single submitter. Criteria: Natera Variant Classification Schema (03/2026). Collection method: clinical testing. Allele origin: germline.
Comment: The c.655A>T variant in MMUT is a missense variant predicted to cause substitution of asparagine to tyrosine at amino acid 219. This variant is rare in the general population with a frequency below the threshold expected for the associated phenotype(s). This variant has been observed in one or more individuals affected with the associated recessive disease, as either homozygous or compound heterozygous with a second variant (PMID: 15643616). Given the available evidence, this variant is classified as Pathogenic.

First Genomix Gene Laboratory, Genetic Diagnostics Department
Classification: Pathogenic for Methylmalonic aciduria due to methylmalonyl-CoA mutase deficiency. Last evaluated: 2025-09-25. Review status: criteria provided, single submitter. Criteria: ACMG Guidelines, 2015. Collection method: clinical testing. Allele origin: germline. Inheritance: Autosomal recessive inheritance. Affected: no. Observed: 1 variant allele.

Immunogenetics and Transplant Biology Service, University Hospital "Città della Salute e della Scienza di Torino"
Classification: Pathogenic for Methylmalonic aciduria due to methylmalonyl-CoA mutase deficiency. Last evaluated: 2025-06-28. Review status: criteria provided, single submitter. Criteria: ACMG Guidelines, 2015. Collection method: clinical testing. Allele origin: germline. Affected: yes.

3billion
Classification: Pathogenic for Methylmalonic aciduria due to methylmalonyl-CoA mutase deficiency. Last evaluated: 2025-03-07. Review status: criteria provided, single submitter. Criteria: ACMG Guidelines, 2015. Collection method: clinical testing. Allele origin: germline. Affected: yes.
Comment: The variant is observed at an extremely low frequency in the gnomAD v4.1.0 dataset (total allele frequency: 0.004%). Predicted Consequence/Location: Missense variant Functional studies provide supporting evidence of the variant having a damaging effect on the gene or gene product (PMID: 11528502, 25125334). In silico tool predictions suggest damaging effect of the variant on gene or gene product [REVEL: 0.98 (>=0.6, sensitivity 0.68 and specificity 0.92); 3Cnet: 0.99 (> 0.75, sensitivity 0.96 and precision 0.92)]. The same nucleotide change resulting in the same amino acid change has been previously reported as pathogenic/likely pathogenic with strong evidence (ClinVar ID: VCV000001886 / PMID: 11528502). The variant has been reported to be in trans with a pathogenic variant as either compound heterozygous or homozygous in at least one similarly affected unrelated individual (PMID: 11528502, 24059531). Different missense changes at the same codon (p.Asn219Asp, p.Asn219Ile) have been reported to be associated with MMUT-related disorder (PMID: 26454439, 27751223). Therefore, this variant is classified as Pathogenic according to the recommendation of ACMG/AMP guideline.

Molecular Genetics, Royal Melbourne Hospital
Classification: Pathogenic for Methylmalonic aciduria due to methylmalonyl-CoA mutase deficiency. Last evaluated: 2024-07-04. Review status: criteria provided, single submitter. Criteria: ACMG Guidelines, 2015. Collection method: clinical testing. Allele origin: germline. Inheritance: Autosomal recessive inheritance. Affected: yes.
Comment: This sequence change in MMUT is predicted to replace asparagine with tyrosine at codon 219, p.(Asn219Tyr). The asparagine residue is highly conserved (100 vertebrates, Multiz Alignments), and is located in the methylmalonyl-CoA mutase domain. There is a large physicochemical difference between asparagine and tyrosine. The highest population minor allele frequency in the population database gnomAD v4.1 is 0.006% (65/1,179,494 alleles) in the European (non-Finnish) population, consistent with a recessive disease. This variant has been detected in multiple individuals with methylmalonic aciduria in the homozygous state and compound heterozygous with a second pathogenic variant. Individuals with this variant typically demonstrate complete methylmalonyl-CoA mutase deficiency (mut0 enzymatic subtype; PMID: 17957493, 27167370). An in vitro enzyme assay with limited validation demonstrates that the variant alters enzyme function (PMID: 11528502). Computational evidence predicts a deleterious effect for the missense substitution (REVEL = 0.978). Based on the classification scheme RMH Modified ACMG/AMP Guidelines v1.6.1, this variant is classified as PATHOGENIC. Following criteria are met: PM3_VeryStrong, PP3_Moderate, PM2_Supporting, PS3_Supporting.

Blueprint Genetics
Classification: Pathogenic for MUT-related disorders. Last evaluated: 2024-06-18. Review status: criteria provided, single submitter. Criteria: ACMG Guidelines, 2015. Collection method: clinical testing. Allele origin: germline. Affected: yes. Observed: 5 variant alleles.

GeneDx
Classification: Pathogenic. Last evaluated: 2023-02-22. Review status: criteria provided, single submitter. Criteria: GeneDx Variant Classification Process June 2021. Collection method: clinical testing. Allele origin: germline. Affected: yes.
Comment: Published functional studies found this variant is associated with significantly reduced enzyme activity (Forny P et al., 2014); Not observed at significant frequency in large population cohorts (gnomAD); In silico analysis supports that this missense variant has a deleterious effect on protein structure/function; This variant is associated with the following publications: (PMID: 15781192, 11350191, 12402345, 16490061, 11528502, 17957493, 19588269, 30712249, 31260114, 31525265, 32778825, 32754920, 32964447, 33453710, 16281286, 25125334, 17113806)

Fulgent Genetics
Classification: Pathogenic for Methylmalonic aciduria due to methylmalonyl-CoA mutase deficiency. Last evaluated: 2022-04-14. Review status: criteria provided, single submitter. Criteria: ACMG Guidelines, 2015. Collection method: clinical testing. Allele origin: unknown.

Women's Health and Genetics/Laboratory Corporation of America, LabCorp
Classification: Pathogenic for Methylmalonic acidemia. Last evaluated: 2017-04-13. Review status: criteria provided, single submitter. Criteria: LabCorp Variant Classification Summary - May 2015. Collection method: clinical testing. Allele origin: germline.
Comment: Variant summary: The MUT c.655A>T (p.Asn219Tyr) variant involves the alteration of a conserved nucleotide, which is located in Cobalamin (vitamin B12)-dependent enzyme, catalytic domain. 4/4 in silico tools predict a damaging outcome for this variant (SNPs&GO not captured due to low reliability index). This variant was found in 7/120870 control chromosomes at a frequency of 0.0000579, which does not exceed the estimated maximal expected allele frequency of a pathogenic MUT variant (0.0024152). This variant has been found multiple patients with MUT-related methylmalonic acidemia. Enzyme activity in the patients who carry homozygous p.N219Y was extremely low compared to normal values (Lempp_2007), suggesting p.N219Y is damaging to MUT normal function. In addition, multiple clinical diagnostic laboratories/reputable databases classified this variant as pathogenic. Taken together, this variant is classified as pathogenic.

Kariminejad - Najmabadi Pathology & Genetics Center
Classification: Pathogenic for Methylmalonic aciduria due to methylmalonyl-CoA mutase deficiency. Review status: criteria provided, single submitter. Criteria: ACMG Guidelines, 2015. Collection method: clinical testing. Allele origin: germline. Affected: no.

Counsyl
Classification: Pathogenic for Methylmalonic aciduria due to methylmalonyl-CoA mutase deficiency. Last evaluated: 2017-02-08. Review status: no assertion criteria provided. Collection method: clinical testing. Allele origin: unknown. Not counted in ClinVar's aggregate classification.

Institute of Medical Genetics and Genomics, Sir Ganga Ram Hospital
Classification: Pathogenic for Methylmalonic aciduria due to methylmalonyl-CoA mutase deficiency. Last evaluated: 2012-06-15. Review status: no assertion criteria provided. Collection method: research. Allele origin: germline. Affected: yes. Observed: 1 variant allele. Study: ORGANIC ACIDURIAS. Not counted in ClinVar's aggregate classification.
Comment: Missense mutation

OMIM
Classification: Pathogenic for METHYLMALONIC ACIDURIA, mut(0) TYPE. Last evaluated: 2005-02-01. Review status: no assertion criteria provided. Collection method: literature only. Allele origin: germline. Not counted in ClinVar's aggregate classification.

GeneReviews
No classification provided. Condition: Methylmalonic aciduria due to methylmalonyl-CoA mutase deficiency. Review status: no classification provided. Collection method: literature only. Allele origin: germline. Affected: yes. Not counted in ClinVar's aggregate classification.
Comment: mut0 enzymatic subtype

Literature cited by the submitters: PubMed 11528502 (cited by 6 submitters); PubMed 17957493 (cited by Labcorp Genetics (formerly Invitae), Labcorp and Molecular Genetics, Royal Melbourne Hospital); PubMed 24059531 (cited by Labcorp Genetics (formerly Invitae), Labcorp and 3billion); PubMed 15643616 (cited by Natera, Inc. and OMIM); PubMed 25125334 (cited by 3billion); PubMed 26454439 (cited by 3billion); PubMed 27167370 (cited by Molecular Genetics, Royal Melbourne Hospital and Counsyl); PubMed 16281286 (cited by Women's Health and Genetics/Laboratory Corporation of America, LabCorp); PubMed 17113806 (cited by Women's Health and Genetics/Laboratory Corporation of America, LabCorp); PubMed 11350191 (cited by OMIM); NCBI Bookshelf NBK1231 (cited by GeneReviews).

NM_000255.4(MMUT):c.655A>T (p.Asn219Tyr)

Gene: MMUT (methylmalonyl-CoA mutase; minus strand). Cytogenetic location: 6p12.3.
Variant type: single nucleotide variant.
Coding change: c.655A>T on transcript NM_000255.4 (MANE Select); coding-DNA position 655, A replaced by T.
Protein change: p.Asn219Tyr; replaces asparagine 219 with tyrosine.
Molecular consequence: missense variant.
Genome position (GRCh38, 1-based): chr6:49,457,789, T>A on the plus strand (A>T on the coding strand, the complement: MMUT is on the minus strand). VCF-style: chr6-49457789-T-A. GRCh37 (hg19) VCF-style: chr6-49425502-T-A.
Other names: p.N219Y:AAT>TAT; short protein forms N219Y.
Identifiers: ClinVar variation 1886 (VCV000001886.22), dbSNP rs121918256, ClinGen allele CA249731.